The following continues an entry in ClinVar:

NM_000051.4(ATM):c.8071C>T (p.Arg2691Cys)

ClinVar aggregate classification (germline): Uncertain significance. Uncertain significance (16).

Submissions 8 to 20 of 20:

Color Diagnostics, LLC DBA Color Health
Classification: Uncertain significance for Hereditary cancer-predisposing syndrome. Last evaluated: 2025-03-04. Review status: criteria provided, single submitter. Criteria: ACMG Guidelines, 2015. Collection method: clinical testing. Allele origin: germline.
Comment: This missense variant replaces arginine with cysteine at codon 2691 of the ATM protein. Computational prediction suggests that this variant may have deleterious impact on protein structure and function. To our knowledge, functional studies have not been reported for this variant. This variant has been reported in individuals affected with breast cancer (PMID: 12935922, 15756685, 19781682, 31871109, 33471991), colorectal cancer (PMID: 28135145), and thyroid cancer (PMID: 26530882). In a large international case-control meta-analysis, this variant was reported in 13/60466 breast cancer cases and 9/53461 controls (OR=1.277, 95%CI 0.546 to 2.988, p-value=0.671; PMID: 33471991). In a separate meta-analysis of breast cancer case-control studies, this variant has shown inconclusive association with disease (PMID: 19781682). This variant has also been identified in 34/251216 chromosomes in the general population by the Genome Aggregation Database (gnomAD). The available evidence is insufficient to determine the role of this variant in disease conclusively. Therefore, this variant is classified as a Variant of Uncertain Significance.

Hema, HEMA – Genetic and Molecular Diagnostic Laboratory
Classification: Uncertain significance for ATM-related cancer predisposition. Last evaluated: 2025-01-07. Review status: criteria provided, single submitter. Criteria: HEMA Variant Classification Assertion Criteria. Collection method: clinical testing. Allele origin: germline.
Comment: It is a transition from cytosine to thymine, resulting in the substitution of arginine 2691 with cysteine in the ATM protein. The frequency of the variant in gnomAD does not allow the application of PM2_Supporting or BS1, and the score from the metapredictor REVEL is inconclusive, making it impossible to apply PP3 or BP4. Following the specifications of the ClinGen Hereditary Breast, Ovarian and Pancreatic Cancer Variant Curation Expert Panel for variant classification in ATM, no criteria can be applied, and in the absence of evidence, this variant is classified as a variant of uncertain significance.

Fulgent Genetics
Classification: Uncertain significance for Familial cancer of breast; Ataxia-telangiectasia syndrome. Last evaluated: 2024-04-27. Review status: criteria provided, single submitter. Criteria: ACMG Guidelines, 2015. Collection method: clinical testing. Allele origin: germline.

Baylor Genetics
Classification: Uncertain significance for Familial cancer of breast. Last evaluated: 2024-02-09. Review status: criteria provided, single submitter. Criteria: ACMG Guidelines, 2015. Collection method: clinical testing. Allele origin: unknown.

Department of Pathology and Laboratory Medicine, Sinai Health System
Classification: Uncertain significance for Familial colorectal cancer type X. Last evaluated: 2023-04-11. Review status: criteria provided, single submitter. Criteria: ACMG Guidelines, 2015. Collection method: clinical testing. Allele origin: germline. Affected: yes.

Sema4
Classification: Uncertain significance for Hereditary cancer-predisposing syndrome. Last evaluated: 2021-09-13. Review status: criteria provided, single submitter. Criteria: Sema4 Curation Guidelines. Collection method: curation. Allele origin: germline.
Comment: The ATM c.8071C>T (p.R2691C) variant has been reported in heterozygosity in individuals with breast cancer, colorectal cancer, non-medullary thyroid cancer, or chronic lymphocytic leukemia as well as unaffected controls (PMID: 33471991, 28135145, 28580595, 15756685, 19781682, 20305132, 26530882, 12935922, 21993670). This variant was observed in 12/18374 chromosomes in the East Asian population, including no homozygotes, according to the Genome Aggregation Database (PMID: 32461654). This variant has been reported in ClinVar (Variation ID: 133636). In silico tools suggest the impact of the variant on protein function is deleterious, though these predictions have not been confirmed by functional studies. The evidence is insufficient to meet ACMG/AMP criteria for classifying the variant as benign or pathogenic. Thus, the clinical significance of this variant is currently uncertain.

Division of Medical Genetics, University of Washington
Classification: Uncertain significance for Familial cancer of breast. Last evaluated: 2019-08-30. Review status: criteria provided, single submitter. Criteria: ACMG Guidelines, 2015. Collection method: clinical testing. Allele origin: germline. Affected: no. Study: CSER_CHARM.
Comment: The c.8071C>T variant has been reported in individuals with breast cancer [PMID: 12935922, 20305132, 19781682 ] and also in individuals with no history of cancer [PMID: 24728327, 19781682]. The c.8071C>T variant has an allele frequency of 0.0001353 in the Broad Institute gnomAD Browser. In silico tools evaluating evolutionary conservation and impact on protein structure and function suggest that this variant may have a deleterious effect; however, there are no functional studies to verify or refute these predictions. At this time, it is unknown at this time whether or not this variant increases cancer risk; therefore, we interpret it as a variant of uncertain significance.

Mendelics
Classification: Uncertain significance for Ataxia-telangiectasia syndrome. Last evaluated: 2018-07-02. Review status: criteria provided, single submitter. Criteria: Mendelics Assertion Criteria 2017. Collection method: clinical testing. Allele origin: unknown.

Illumina Laboratory Services, Illumina
Classification: Uncertain significance for Ataxia-telangiectasia syndrome. Last evaluated: 2017-04-27. Review status: criteria provided, single submitter. Criteria: ICSL Variant Classification Criteria 13 December 2019. Collection method: clinical testing. Allele origin: germline.

Natera, Inc.
Classification: Uncertain significance for Ataxia-telangiectasia. Last evaluated: 2020-09-16. Review status: no assertion criteria provided. Collection method: clinical testing. Allele origin: germline. Not counted in ClinVar's aggregate classification.

Counsyl
Classification: Uncertain significance for Ataxia-telangiectasia syndrome. Last evaluated: 2017-06-01. Review status: no assertion criteria provided. Collection method: clinical testing. Allele origin: unknown. Not counted in ClinVar's aggregate classification.

ITMI
No classification provided. Condition: AllHighlyPenetrant. Last evaluated: 2013-09-19. Review status: no classification provided. Collection method: reference population. Allele origin: germline. Not counted in ClinVar's aggregate classification.
Comment: Please see associated publication for description of ethnicities

Laboratory of Molecular Epidemiology of Birth Defects, West China Second University Hospital, Sichuan University
Classification: Likely pathogenic for Ovarian cancer. Last evaluated: 2022-01-01. Review status: flagged submission. Criteria: ACMG Guidelines, 2015. Collection method: clinical testing. Allele origin: germline. Affected: yes. Not counted in ClinVar's aggregate classification.
ClinVar note: Reason: Outlier claim with insufficient supporting evidence

Literature cited by the submitters: PubMed 12935922 (cited by 8 submitters); PubMed 15756685 (cited by 8 submitters); PubMed 20305132 (cited by 5 submitters); PubMed 28580595 (cited by 5 submitters); PubMed 31871109 (cited by 6 submitters); PubMed 24728327 (cited by 5 submitters); PubMed 19781682 (cited by 7 submitters); PubMed 26689913 (cited by 4 submitters); PubMed 26530882 (cited by 3 submitters); PubMed 21993670 (cited by 6 submitters); PubMed 28135145 (cited by 6 submitters); PubMed 28652578 (cited by Women's Health and Genetics/Laboratory Corporation of America, LabCorp); PubMed 29522266 (cited by Women's Health and Genetics/Laboratory Corporation of America, LabCorp and Labcorp Genetics (formerly Invitae), Labcorp); PubMed 31248605 (cited by Women's Health and Genetics/Laboratory Corporation of America, LabCorp and Labcorp Genetics (formerly Invitae), Labcorp); PubMed 31742824 (cited by 3 submitters); PubMed 32068069 (cited by 3 submitters); PubMed 33471991 (cited by 6 submitters); PubMed 32107087 (cited by 3 submitters); PubMed 40105422 (cited by 3 submitters); PubMed 29731985 (cited by Athena Diagnostics and Quest Diagnostics Nichols Institute San Juan Capistrano); PubMed 30311369 (cited by Athena Diagnostics and Quest Diagnostics Nichols Institute San Juan Capistrano); PubMed 34326862 (cited by Athena Diagnostics and Quest Diagnostics Nichols Institute San Juan Capistrano).